The following is an entry in ClinVar:

ClinVar aggregate classification (germline): Uncertain significance. Review status: criteria provided, multiple submitters, no conflicts (2 of 4 stars). 2 submissions from 2 submitters: Uncertain significance (2). Last evaluated 2025-04-23.

Conditions:
Gorlin syndrome. Also called: Nevoid Basal Cell Carcinoma Syndrome; Basal cell nevus syndrome. Identifiers: Orphanet 377, MedGen C0004779, MONDO:0007187.
Hereditary cancer-predisposing syndrome. Also called: Hereditary neoplastic syndrome; Neoplastic Syndromes, Hereditary; Hereditary Cancer Syndrome; Tumor predisposition. Identifiers: Orphanet 140162, MedGen C0027672, MeSH D009386, MONDO:0015356.

Submissions (2):

Labcorp Genetics (formerly Invitae), Labcorp
Classification: Uncertain significance for Gorlin syndrome. Last evaluated: 2025-04-23. Review status: criteria provided, single submitter. Criteria: Invitae Variant Classification Sherloc (09022015). Collection method: clinical testing. Allele origin: germline.
Comment: This sequence change replaces aspartic acid, which is acidic and polar, with asparagine, which is neutral and polar, at codon 57 of the PTCH1 protein (p.Asp57Asn). This variant is not present in population databases (gnomAD no frequency). This variant has not been reported in the literature in individuals affected with PTCH1-related conditions. ClinVar contains an entry for this variant (Variation ID: 2715996). Invitae Evidence Modeling of protein sequence and biophysical properties (such as structural, functional, and spatial information, amino acid conservation, physicochemical variation, residue mobility, and thermodynamic stability) has been performed for this missense variant. However, the output from this modeling did not meet the statistical confidence thresholds required to predict the impact of this variant on PTCH1 protein function. In summary, the available evidence is currently insufficient to determine the role of this variant in disease. Therefore, it has been classified as a Variant of Uncertain Significance.

Ambry Genetics
Classification: Uncertain significance for Hereditary cancer-predisposing syndrome. Last evaluated: 2024-01-16. Review status: criteria provided, single submitter. Criteria: Ambry Variant Classification Scheme 2023. Collection method: clinical testing. Allele origin: germline.
Comment: The p.D57N variant (also known as c.169G>A), located in coding exon 1 of the PTCH1 gene, results from a G to A substitution at nucleotide position 169. The aspartic acid at codon 57 is replaced by asparagine, an amino acid with highly similar properties. This amino acid position is conserved. In addition, this alteration is predicted to be tolerated by in silico analysis. Since supporting evidence is limited at this time, the clinical significance of this alteration remains unclear.

NM_000264.5(PTCH1):c.169G>A (p.Asp57Asn)

Gene: PTCH1 (patched 1; minus strand). Cytogenetic location: 9q22.32.
Variant type: single nucleotide variant.
Coding change: c.169G>A on transcript NM_000264.5 (MANE Select); coding-DNA position 169, G replaced by A.
Protein change: p.Asp57Asn; replaces aspartic acid 57 with asparagine.
Molecular consequence: missense variant. On other transcripts: non-coding transcript variant (1), intron variant (3).
Genome position (GRCh38, 1-based): chr9:95,508,193, C>T on the plus strand (G>A on the coding strand, the complement: PTCH1 is on the minus strand). VCF-style: chr9-95508193-C-T. GRCh37 (hg19) VCF-style: chr9-98270475-C-T.
Other names: c.169G>A, p.Asp57Asn (NM_001354918.2); c.199-1594G>A (NM_001083603.3); c.4-1594G>A (NM_001083602.3, NM_001354919.2); short protein forms D57N.
Identifiers: ClinVar variation 2715996 (VCV002715996.4), dbSNP rs2118906858, ClinGen allele CA374121307.